The following is an entry in ClinVar:

ClinVar aggregate classification (germline): Pathogenic/Likely pathogenic. Review status: criteria provided, multiple submitters, no conflicts (2 of 4 stars). 3 submissions from 3 submitters: Pathogenic (2); Likely pathogenic (1). Last evaluated 2025-11-24.

Conditions:
Ataxia-telangiectasia syndrome (AT). Also called: Ataxia-telangiectasia, complementation group E; Ataxia telangiectasia (A-T); LOUIS-BAR SYNDROME; Cerebello-oculocutaneous telangiectasia; Immunodeficiency with ataxia telangiectasia; Ataxia-telangiectasia, complementation group D. Identifiers: Orphanet 100, MedGen C0004135, MONDO:0008840, OMIM 208900.
Familial cancer of breast. Also called: Hereditary breast cancer; BREAST CANCER, FAMILIAL; hereditary breast carcinoma. Identifiers: Orphanet 227535, MedGen C0346153, MONDO:0016419, OMIM 114480. Disease mechanism: loss of function.
Hereditary cancer-predisposing syndrome. Also called: Tumor predisposition; Hereditary Cancer Syndrome; Hereditary neoplastic syndrome; Neoplastic Syndromes, Hereditary. Identifiers: Orphanet 140162, MedGen C0027672, MeSH D009386, MONDO:0015356.

Submissions (3):

Labcorp Genetics (formerly Invitae), Labcorp
Classification: Pathogenic for Ataxia-telangiectasia syndrome. Last evaluated: 2025-11-24. Review status: criteria provided, single submitter. Criteria: Invitae Variant Classification Sherloc (09022015). Collection method: clinical testing. Allele origin: germline.
Comment: This sequence change creates a premature translational stop signal (p.Ile2752Tyrfs*5) in the ATM gene. It is expected to result in an absent or disrupted protein product. Loss-of-function variants in ATM are known to be pathogenic (PMID: 23807571, 25614872). This variant is not present in population databases (gnomAD no frequency). This variant has not been reported in the literature in individuals affected with ATM-related conditions. ClinVar contains an entry for this variant (Variation ID: 2453988). For these reasons, this variant has been classified as Pathogenic.

Ambry Genetics
Classification: Pathogenic for Hereditary cancer-predisposing syndrome. Last evaluated: 2023-03-08. Review status: criteria provided, single submitter. Criteria: Ambry Variant Classification Scheme 2023. Collection method: clinical testing. Allele origin: germline.
Comment: The c.8253dupT pathogenic mutation, located in coding exon 55 of the ATM gene, results from a duplication of T at nucleotide position 8253, causing a translational frameshift with a predicted alternate stop codon (p.I2752Yfs*5). This variant is considered to be rare based on population cohorts in the Genome Aggregation Database (gnomAD). This alteration is expected to result in loss of function by premature protein truncation or nonsense-mediated mRNA decay. As such, this alteration is interpreted as a disease-causing mutation.

Baylor Genetics
Classification: Likely pathogenic for Familial cancer of breast. Last evaluated: 2022-06-13. Review status: criteria provided, single submitter. Criteria: ACMG Guidelines, 2015. Collection method: clinical testing. Allele origin: unknown.

Literature cited by the submitters: PubMed 23807571 (cited by Labcorp Genetics (formerly Invitae), Labcorp); PubMed 25614872 (cited by Labcorp Genetics (formerly Invitae), Labcorp).

NM_000051.4(ATM):c.8253dup (p.Ile2752fs)

Genes: ATM (ATM serine/threonine kinase; plus strand), C11orf65 (chromosome 11 open reading frame 65; minus strand). Cytogenetic location: 11q22.3.
Variant type: Duplication.
Coding change: c.8253dup on transcript NM_000051.4 (MANE Select); coding-DNA position 8253, one base duplicated (T; older notation c.8253dupT).
Protein change: p.Ile2752fs; shifts the reading frame from isoleucine 2752.
Molecular consequence: frameshift variant. On other transcripts: intron variant (2).
Genome position (GRCh38, 1-based): chr11:108,335,946, T duplicated. VCF-style (leftmost placement, unchanged base first): chr11-108335945-C-CT. GRCh37 (hg19) VCF-style: chr11-108206672-C-CT.
Other names: c.8253dupT (NM_000051.3); c.8253dup, p.Ile2752fs (NM_001351834.2); c.641-26875dup (NM_001330368.2); c.695-654dup (NM_001351110.2); short protein forms I2752fs.
Identifiers: ClinVar variation 2453988 (VCV002453988.6), dbSNP rs2547348703, ClinGen allele CA2580083137.
Genomic context (GRCh38, chr11:108,335,945, plus strand): 5'-TCTTCCAGATGTGTAATACATTACTGCAGAGAAACACGGAAACTAGGAAGAGGAAATTAA[C>CT]TATCTGTACTTATAAGGTAACTATTTGTACTTCTGTTAGTTCACCAAAAACATATAAAAG-3'